The following is an entry in ClinVar:

ClinVar aggregate classification (germline): Uncertain significance (1 of 4 stars; one submission).

Conditions:
Hereditary cancer-predisposing syndrome. Also called: Neoplastic Syndromes, Hereditary; Tumor predisposition; Hereditary neoplastic syndrome; Hereditary Cancer Syndrome. Identifiers: Orphanet 140162, MedGen C0027672, MeSH D009386, MONDO:0015356.

Submission:

Ambry Genetics
Classification: Uncertain significance for Hereditary cancer-predisposing syndrome. Last evaluated: 2026-07-06. Review status: criteria provided, single submitter. Criteria: Ambry Variant Classification Scheme 2023. Collection method: clinical testing. Allele origin: germline.
Comment: The p.V721A variant (also known as c.2162T>C), located in coding exon 15 of the PDGFRA gene, results from a T to C substitution at nucleotide position 2162. The valine at codon 721 is replaced by alanine, an amino acid with similar properties. This amino acid position is conserved. In addition, this alteration is predicted to be deleterious by in silico analysis. Based on the available evidence, the clinical significance of this variant remains unclear.

NM_006206.6(PDGFRA):c.2162T>C (p.Val721Ala)

Gene: PDGFRA (platelet derived growth factor receptor alpha; plus strand). Cytogenetic location: 4q12.
Variant type: single nucleotide variant.
Coding change: c.2162T>C on transcript NM_006206.6 (MANE Select); coding-DNA position 2162, T replaced by C.
Protein change: p.Val721Ala; replaces valine 721 with alanine.
Molecular consequence: missense variant.
Genome position (GRCh38, 1-based): chr4:54,280,321, T>C. VCF-style: chr4-54280321-T-C. GRCh37 (hg19) VCF-style: chr4-55146488-T-C.
Other names: c.2162T>C, p.Val721Ala (NM_001347827.2, NM_001347829.2); c.2237T>C, p.Val746Ala (NM_001347828.2); c.2201T>C, p.Val734Ala (NM_001347830.2); short protein forms V721A, V734A, V746A.
Identifiers: ClinVar variation 5026412 (VCV005026412.1).